The following is an entry in ClinVar:

NM_033026.6(PCLO):c.2858G>A (p.Gly953Glu)

Gene: PCLO (piccolo presynaptic cytomatrix protein; minus strand). Cytogenetic location: 7q21.11.
Variant type: single nucleotide variant.
Coding change: c.2858G>A on transcript NM_033026.6 (MANE Select); coding-DNA position 2858, G replaced by A.
Protein change: p.Gly953Glu; replaces glycine 953 with glutamic acid.
Molecular consequence: missense variant.
Genome position (GRCh38, 1-based): chr7:83,134,692, C>T on the plus strand (G>A on the coding strand, the complement: PCLO is on the minus strand). VCF-style: chr7-83134692-C-T. GRCh37 (hg19) VCF-style: chr7-82764008-C-T.
Other names: c.2858G>A, p.Gly953Glu (NM_014510.3); c.2858G>A (NM_033026.5); short protein forms G953E.
Identifiers: ClinVar variation 1353658 (VCV001353658.9), dbSNP rs1317053689, ClinGen allele CA367898550.

ClinVar aggregate classification (germline): Uncertain significance. Review status: criteria provided, multiple submitters, no conflicts (2 of 4 stars). 2 submissions from 2 submitters: Uncertain significance (2). Last evaluated 2021-08-17.

Conditions:
Inborn genetic diseases. Identifiers: MedGen C0950123, MeSH D030342.

Allele frequency attached by ClinVar (database versions not stated): TOPMed below 0.00001; gnomAD exomes 0.00001.
gnomAD v4.1: 3 of 1,613,636 alleles (0.00019%); highest among the groups gnomAD compares: Non-Finnish European, 0.00025%; no homozygotes.

Submissions (2):

Ambry Genetics
Classification: Uncertain significance for Inborn genetic diseases. Last evaluated: 2021-08-17. Review status: criteria provided, single submitter. Criteria: Ambry Variant Classification Scheme 2023. Collection method: clinical testing. Allele origin: germline.

Labcorp Genetics (formerly Invitae), Labcorp
Classification: Uncertain significance. Last evaluated: 2021-05-14. Review status: criteria provided, single submitter. Criteria: Invitae Variant Classification Sherloc (09022015). Collection method: clinical testing. Allele origin: germline.
Comment: This sequence change replaces glycine with glutamic acid at codon 953 of the PCLO protein (p.Gly953Glu). The glycine residue is moderately conserved and there is a moderate physicochemical difference between glycine and glutamic acid. This variant is not present in population databases (ExAC no frequency). This variant has not been reported in the literature in individuals with PCLO-related conditions. Algorithms developed to predict the effect of missense changes on protein structure and function are either unavailable or do not agree on the potential impact of this missense change (SIFT: "Deleterious"; PolyPhen-2: "Not Available"; Align-GVGD: "Class C0"). In summary, the available evidence is currently insufficient to determine the role of this variant in disease. Therefore, it has been classified as a Variant of Uncertain Significance.